The following is an entry in ClinVar:

ClinVar aggregate classification (germline): Benign (1 of 4 stars; one submission).

Conditions:
Familial cancer of breast. Also called: hereditary breast carcinoma; Hereditary breast cancer; BREAST CANCER, FAMILIAL. Identifiers: Orphanet 227535, MedGen C0346153, MONDO:0016419, OMIM 114480. Disease mechanism: loss of function.

Submission:

Myriad Genetics, Inc.
Classification: Benign for Familial cancer of breast. Last evaluated: 2024-08-29. Review status: criteria provided, single submitter. Criteria: Myriad Autosomal Dominant, Autosomal Recessive and X-Linked Classification Criteria (2023). Collection method: clinical testing. Allele origin: unknown.
Comment: This variant is considered benign. This variant is a silent/synonymous amino acid change and it is not expected to impact splicing.

NM_032043.3(BRIP1):c.1803A>C (p.Ser601=)

Gene: BRIP1 (BRCA1 interacting DNA helicase 1; minus strand). Cytogenetic location: 17q23.2.
Variant type: single nucleotide variant.
Coding change: c.1803A>C on transcript NM_032043.3 (MANE Select); coding-DNA position 1803, A replaced by C.
Protein change: p.Ser601=; no amino-acid change (serine 601 retained).
Molecular consequence: synonymous variant.
Genome position (GRCh38, 1-based): chr17:61,780,393, T>G on the plus strand (A>C on the coding strand, the complement: BRIP1 is on the minus strand). VCF-style: chr17-61780393-T-G. GRCh37 (hg19) VCF-style: chr17-59857754-T-G.
Identifiers: ClinVar variation 3378690 (VCV003378690.1).
Genomic context (GRCh38, chr17:61,780,393, plus strand): 5'-TTTCATTGGTGATAATGTACCAGATGTCAAAACAATGGTCTGAACTTTGCCATTAATATC[T>G]GAAAAGGCCTAAAAGAAAACAACATTAGATAAATAAAATTATCTTTAGAAGAGGCTGGGC-3'
Protein context (NP_114432.2, residues 591-611): FWCLNPAVAF[Ser601=]DINGKVQTIV